The following is an entry in ClinVar:

ClinVar aggregate classification (germline): Uncertain significance (1 of 4 stars; one submission).

Allele frequency attached by ClinVar (database versions not stated): gnomAD exomes below 0.00001.
gnomAD v4.1: 3 of 1,604,782 alleles (0.00019%); highest among the groups gnomAD compares: Non-Finnish European, 0.00026%; no homozygotes.

Submission:

Labcorp Genetics (formerly Invitae), Labcorp
Classification: Uncertain significance. Last evaluated: 2023-01-10. Review status: criteria provided, single submitter. Criteria: Invitae Variant Classification Sherloc (09022015). Collection method: clinical testing. Allele origin: germline.
Comment: Algorithms developed to predict the effect of missense changes on protein structure and function are either unavailable or do not agree on the potential impact of this missense change (SIFT: "Tolerated"; PolyPhen-2: "Not Available"; Align-GVGD: "Class C0"). In summary, the available evidence is currently insufficient to determine the role of this variant in disease. Therefore, it has been classified as a Variant of Uncertain Significance. This variant has not been reported in the literature in individuals affected with DNA2-related conditions. This variant is not present in population databases (gnomAD no frequency). This sequence change replaces alanine, which is neutral and non-polar, with glycine, which is neutral and non-polar, at codon 19 of the DNA2 protein (p.Ala19Gly).

NM_001080449.3(DNA2):c.56C>G (p.Ala19Gly)

Gene: DNA2 (DNA replication helicase/nuclease 2; minus strand). Cytogenetic location: 10q21.3.
Variant type: single nucleotide variant.
Coding change: c.56C>G on transcript NM_001080449.3 (MANE Select); coding-DNA position 56, C replaced by G.
Protein change: p.Ala19Gly; replaces alanine 19 with glycine.
Molecular consequence: missense variant. On other transcripts: non-coding transcript variant (1).
Genome position (GRCh38, 1-based): chr10:68,471,809, G>C on the plus strand (C>G on the coding strand, the complement: DNA2 is on the minus strand). VCF-style: chr10-68471809-G-C. GRCh37 (hg19) VCF-style: chr10-70231566-G-C.
Other names: short protein forms A19G.
Identifiers: ClinVar variation 2827434 (VCV002827434.3), dbSNP rs2494022720, ClinGen allele CA376833621.